The following is an entry in ClinVar:

NM_001164508.2(NEB):c.24207+17G>C

Genes: NEB (nebulin; minus strand), RIF1 (replication timing regulatory factor 1; plus strand). Cytogenetic location: 2q23.3.
Variant type: single nucleotide variant.
Coding change: c.24207+17G>C on transcript NM_001164508.2 (MANE Select); 17 bases into the intron after coding-DNA position 24207, G replaced by C.
Molecular consequence: intron variant.
Genome position (GRCh38, 1-based): chr2:151,498,243, C>G on the plus strand (G>C on the coding strand, the complement: NEB is on the minus strand). VCF-style: chr2-151498243-C-G. GRCh37 (hg19) VCF-style: chr2-152354757-C-G.
Other names: c.18826-1875G>C (NM_004543.5); c.24207+17G>C (NM_001164507.2); c.24312+17G>C (NM_001271208.2).
Identifiers: ClinVar variation 513216 (VCV000513216.10), dbSNP rs373742185, ClinGen allele CA1906137.

ClinVar aggregate classification (germline): Benign/Likely benign. Review status: criteria provided, multiple submitters, no conflicts (2 of 4 stars). 3 submissions from 3 submitters: Benign (1); Likely benign (2). Last evaluated 2026-01-27.

Conditions:
Nemaline myopathy 2 (NEM2). Also called: Nemaline myopathy 2, autosomal recessive. Identifiers: MedGen C1850569, MONDO:0009725, OMIM 256030.

Allele frequency attached by ClinVar (database versions not stated): gnomAD 0.00011 and 0.00021; TOPMed 0.00011; 1000 Genomes Project 30x 0.00031; ESP Exome Variant Server 0.00044; gnomAD exomes 0.00070; ExAC 0.00196.
gnomAD v4.1: 432 of 1,550,710 alleles (0.028%); highest among the groups gnomAD compares: South Asian, 0.34%; 5 homozygotes.

Submissions (3):

Labcorp Genetics (formerly Invitae), Labcorp
Classification: Benign for Nemaline myopathy 2. Last evaluated: 2026-01-27. Review status: criteria provided, single submitter. Criteria: Invitae Variant Classification Sherloc (09022015). Collection method: clinical testing. Allele origin: germline.

Blueprint Genetics
Classification: Likely benign. Last evaluated: 2024-11-15. Review status: criteria provided, single submitter. Criteria: ACMG Guidelines, 2015. Collection method: clinical testing. Allele origin: germline.

GeneDx
Classification: Likely benign. Last evaluated: 2017-11-07. Review status: criteria provided, single submitter. Criteria: GeneDx Variant Classification (06012015). Collection method: clinical testing. Allele origin: germline. Affected: yes.
Comment: This variant is considered likely benign or benign based on one or more of the following criteria: it is a conservative change, it occurs at a poorly conserved position in the protein, it is predicted to be benign by multiple in silico algorithms, and/or has population frequency not consistent with disease.